The following is an entry in ClinVar:

ClinVar aggregate classification (germline): Uncertain significance (1 of 4 stars; one submission).

Conditions:
Hypertrophic cardiomyopathy 25 (CMH25). Also called: CARDIOMYOPATHY, FAMILIAL HYPERTROPHIC, 25. Identifiers: MedGen C4225408, MONDO:0011843, OMIM 607487.
Primary familial hypertrophic cardiomyopathy (HCM). Identifiers: Orphanet 99739, MedGen C0949658, MeSH D024741, MONDO:0024573. Inheritance: Various modes of inheritance.

Submission:

Labcorp Genetics (formerly Invitae), Labcorp
Classification: Uncertain significance for Hypertrophic cardiomyopathy 25; Primary familial hypertrophic cardiomyopathy. Last evaluated: 2025-12-09. Review status: criteria provided, single submitter. Criteria: Invitae Variant Classification Sherloc (09022015). Collection method: clinical testing. Allele origin: germline.
Comment: This sequence change replaces threonine, which is neutral and polar, with lysine, which is basic and polar, at codon 32 of the TCAP protein (p.Thr32Lys). This variant is not present in population databases (gnomAD no frequency). This variant has not been reported in the literature in individuals affected with TCAP-related conditions. An algorithm developed to predict the effect of missense changes on protein structure and function (PolyPhen-2) suggests that this variant is likely to be tolerated. In summary, the available evidence is currently insufficient to determine the role of this variant in disease. Therefore, it has been classified as a Variant of Uncertain Significance.

NM_003673.4(TCAP):c.95C>A (p.Thr32Lys)

Gene: TCAP (titin-cap; plus strand). Cytogenetic location: 17q12.
Variant type: single nucleotide variant.
Coding change: c.95C>A on transcript NM_003673.4 (MANE Select); coding-DNA position 95, C replaced by A.
Protein change: p.Thr32Lys; replaces threonine 32 with lysine.
Molecular consequence: missense variant.
Genome position (GRCh38, 1-based): chr17:39,665,454, C>A. VCF-style: chr17-39665454-C-A. GRCh37 (hg19) VCF-style: chr17-37821707-C-A.
Other names: short protein forms T32K.
Identifiers: ClinVar variation 4786959 (VCV004786959.1).